The following is an entry in ClinVar:

NM_000268.4(NF2):c.1431C>G (p.Thr477=)

Gene: NF2 (NF2, moesin-ezrin-radixin like (MERLIN) tumor suppressor; plus strand). Cytogenetic location: 22q12.2.
Variant type: single nucleotide variant.
Coding change: c.1431C>G on transcript NM_000268.4 (MANE Select); coding-DNA position 1431, C replaced by G.
Protein change: p.Thr477=; no amino-acid change (threonine 477 retained).
Molecular consequence: synonymous variant. On other transcripts: non-coding transcript variant (1), intron variant (1).
Genome position (GRCh38, 1-based): chr22:29,674,926, C>G. VCF-style: chr22-29674926-C-G. GRCh37 (hg19) VCF-style: chr22-30070915-C-G.
Other names: c.1317C>G, p.Thr439= (NM_001407053.1, NM_001407056.1); c.1308C>G, p.Thr436= (NM_001407054.1, NM_001407058.1, NM_181829.3); c.1305C>G, p.Thr435= (NM_001407055.1, NM_181828.3); c.1296C>G, p.Thr432= (NM_001407057.1, NM_001407059.1); c.1431C>G, p.Thr477= (NM_001407060.1, NM_001407066.1, NM_016418.5 and 2 more transcripts); c.1173C>G, p.Thr391= (NM_001407062.1); c.1182C>G, p.Thr394= (NM_001407063.1, NM_001407064.1, NM_181830.3 and 1 more transcripts); c.897C>G, p.Thr299= (NM_001407065.1); and 2 more.
Identifiers: ClinVar variation 3072581 (VCV003072581.1), dbSNP rs2147093689, ClinGen allele CA514188078.

ClinVar aggregate classification (germline): Likely benign (1 of 4 stars; one submission).

Conditions:
Neurofibromatosis, type 2 (SWNV). Also called: BILATERAL ACOUSTIC NEUROFIBROMATOSIS; NF2-Related Schwannomatosis; SCHWANNOMATOSIS, VESTIBULAR. Identifiers: Orphanet 637, MedGen C0027832, MONDO:0007039, OMIM 101000. Disease mechanism: loss of function.

gnomAD v4.1: 1 of 1,569,280 alleles (0.000064%); highest among the groups gnomAD compares: Non-Finnish European, 0.000086%; no homozygotes.

Submission:

All of Us Research Program, National Institutes of Health
Classification: Likely benign for Neurofibromatosis, type 2. Last evaluated: 2023-08-08. Review status: criteria provided, single submitter. Criteria: ACMG Guidelines, 2015. Collection method: clinical testing. Allele origin: germline. Inheritance: Autosomal dominant inheritance. Observed: 1 variant allele, 1 heterozygote.
Comment: This study involves interpretation of variants in research participants for the purpose of population health screening. Participant phenotype was not available at the time of variant classification. Additional details can be found in publication PMID: 35346344, PMCID: PMC8962531